The following continues an entry in ClinVar:

NM_015103.3(PLXND1):c.1849C>T (p.Pro617Ser)

Gene: PLXND1. ClinVar aggregate classification (germline): Benign.

Submissions 33 to 57 of 57:

Dr. Peter K. Rogan Lab, Western University
No classification provided (evidence only). Condition: Hepatocellular carcinoma. Review status: no classification provided. Collection method: in vitro. Allele origin: not applicable. Functional consequence: retained intron. Not counted in ClinVar's aggregate classification.

Dr. Peter K. Rogan Lab, Western University
No classification provided (evidence only). Condition: Lymphoma. Review status: no classification provided. Collection method: in vitro. Allele origin: not applicable. Functional consequence: retained intron. Not counted in ClinVar's aggregate classification.

Dr. Peter K. Rogan Lab, Western University
No classification provided (evidence only). Condition: Lymphoma. Review status: no classification provided. Collection method: in vitro. Allele origin: not applicable. Functional consequence: retained intron. Not counted in ClinVar's aggregate classification.

Dr. Peter K. Rogan Lab, Western University
No classification provided (evidence only). Condition: Lymphoma. Review status: no classification provided. Collection method: in vitro. Allele origin: not applicable. Functional consequence: retained intron. Not counted in ClinVar's aggregate classification.

Dr. Peter K. Rogan Lab, Western University
No classification provided (evidence only). Condition: Lymphoma. Review status: no classification provided. Collection method: in vitro. Allele origin: not applicable. Functional consequence: retained intron. Not counted in ClinVar's aggregate classification.

Dr. Peter K. Rogan Lab, Western University
No classification provided (evidence only). Condition: Lymphoma. Review status: no classification provided. Collection method: in vitro. Allele origin: not applicable. Functional consequence: retained intron. Not counted in ClinVar's aggregate classification.

Dr. Peter K. Rogan Lab, Western University
No classification provided (evidence only). Condition: Lymphoma. Review status: no classification provided. Collection method: in vitro. Allele origin: not applicable. Functional consequence: retained intron. Not counted in ClinVar's aggregate classification.

Dr. Peter K. Rogan Lab, Western University
No classification provided (evidence only). Condition: Ovarian cancer. Review status: no classification provided. Collection method: in vitro. Allele origin: not applicable. Functional consequence: retained intron. Not counted in ClinVar's aggregate classification.

Dr. Peter K. Rogan Lab, Western University
No classification provided (evidence only). Condition: Ovarian cancer. Review status: no classification provided. Collection method: in vitro. Allele origin: not applicable. Functional consequence: retained intron. Not counted in ClinVar's aggregate classification.

Dr. Peter K. Rogan Lab, Western University
No classification provided (evidence only). Condition: Ovarian cancer. Review status: no classification provided. Collection method: in vitro. Allele origin: not applicable. Functional consequence: retained intron. Not counted in ClinVar's aggregate classification.

Dr. Peter K. Rogan Lab, Western University
No classification provided (evidence only). Condition: Ovarian cancer. Review status: no classification provided. Collection method: in vitro. Allele origin: not applicable. Functional consequence: retained intron. Not counted in ClinVar's aggregate classification.

Dr. Peter K. Rogan Lab, Western University
No classification provided (evidence only). Condition: Ovarian cancer. Review status: no classification provided. Collection method: in vitro. Allele origin: not applicable. Functional consequence: retained intron. Not counted in ClinVar's aggregate classification.

Dr. Peter K. Rogan Lab, Western University
No classification provided (evidence only). Condition: Ovarian cancer. Review status: no classification provided. Collection method: in vitro. Allele origin: not applicable. Functional consequence: retained intron. Not counted in ClinVar's aggregate classification.

Dr. Peter K. Rogan Lab, Western University
No classification provided (evidence only). Condition: Acute myeloid leukemia. Review status: no classification provided. Collection method: in vitro. Allele origin: not applicable. Functional consequence: retained intron. Not counted in ClinVar's aggregate classification.

Dr. Peter K. Rogan Lab, Western University
No classification provided (evidence only). Condition: Acute myeloid leukemia. Review status: no classification provided. Collection method: in vitro. Allele origin: not applicable. Functional consequence: retained intron. Not counted in ClinVar's aggregate classification.

Dr. Peter K. Rogan Lab, Western University
No classification provided (evidence only). Condition: Acute myeloid leukemia. Review status: no classification provided. Collection method: in vitro. Allele origin: not applicable. Functional consequence: retained intron. Not counted in ClinVar's aggregate classification.

Dr. Peter K. Rogan Lab, Western University
No classification provided (evidence only). Condition: Acute myeloid leukemia. Review status: no classification provided. Collection method: in vitro. Allele origin: not applicable. Functional consequence: retained intron. Not counted in ClinVar's aggregate classification.

Dr. Peter K. Rogan Lab, Western University
No classification provided (evidence only). Condition: Acute myeloid leukemia. Review status: no classification provided. Collection method: in vitro. Allele origin: not applicable. Functional consequence: retained intron. Not counted in ClinVar's aggregate classification.

Dr. Peter K. Rogan Lab, Western University
No classification provided (evidence only). Condition: Acute myeloid leukemia. Review status: no classification provided. Collection method: in vitro. Allele origin: not applicable. Functional consequence: retained intron. Not counted in ClinVar's aggregate classification.

Dr. Peter K. Rogan Lab, Western University
No classification provided (evidence only). Condition: Acute myeloid leukemia. Review status: no classification provided. Collection method: in vitro. Allele origin: not applicable. Functional consequence: retained intron. Not counted in ClinVar's aggregate classification.

Dr. Peter K. Rogan Lab, Western University
No classification provided (evidence only). Condition: Acute myeloid leukemia. Review status: no classification provided. Collection method: in vitro. Allele origin: not applicable. Functional consequence: retained intron. Not counted in ClinVar's aggregate classification.

Dr. Peter K. Rogan Lab, Western University
No classification provided (evidence only). Condition: Colon adenocarcinoma. Review status: no classification provided. Collection method: in vitro. Allele origin: not applicable. Functional consequence: retained intron. Not counted in ClinVar's aggregate classification.

Dr. Peter K. Rogan Lab, Western University
No classification provided (evidence only). Condition: Colon adenocarcinoma. Review status: no classification provided. Collection method: in vitro. Allele origin: not applicable. Functional consequence: retained intron. Not counted in ClinVar's aggregate classification.

Dr. Peter K. Rogan Lab, Western University
No classification provided (evidence only). Condition: Colon adenocarcinoma. Review status: no classification provided. Collection method: in vitro. Allele origin: not applicable. Functional consequence: retained intron. Not counted in ClinVar's aggregate classification.

Dr. Peter K. Rogan Lab, Western University
No classification provided (evidence only). Condition: Colon adenocarcinoma. Review status: no classification provided. Collection method: in vitro. Allele origin: not applicable. Functional consequence: retained intron. Not counted in ClinVar's aggregate classification.